The following is an entry in ClinVar:

ClinVar aggregate classification (germline): Uncertain significance (1 of 4 stars; one submission).

Conditions:
Pallister-Hall syndrome (PHS). Also called: GLI3-Related Pallister-Hall Syndrome; HYPOTHALAMIC HAMARTOBLASTOMA, HYPOPITUITARISM, IMPERFORATE ANUS, AND POSTAXIAL POLYDACTYLY. Identifiers: Orphanet 672, MedGen C0265220, MONDO:0007804, OMIM 146510.
Greig cephalopolysyndactyly syndrome (GCPS). Also called: GLI3-Related Greig Cephalopolysyndactyly Syndrome; POLYSYNDACTYLY WITH PECULIAR SKULL SHAPE; Greig syndrome. Identifiers: Orphanet 380, MedGen C0265306, MONDO:0008287, OMIM 175700.

Allele frequency attached by ClinVar (database versions not stated): gnomAD exomes below 0.00001; ExAC 0.00002.
gnomAD v4.1: 4 of 1,613,768 alleles (0.00025%); highest among the groups gnomAD compares: Non-Finnish European, 0.00034%; no homozygotes.

Submission:

Labcorp Genetics (formerly Invitae), Labcorp
Classification: Uncertain significance for Pallister-Hall syndrome; Greig cephalopolysyndactyly syndrome. Last evaluated: 2023-05-31. Review status: criteria provided, single submitter. Criteria: Invitae Variant Classification Sherloc (09022015). Collection method: clinical testing. Allele origin: germline.
Comment: In summary, the available evidence is currently insufficient to determine the role of this variant in disease. Therefore, it has been classified as a Variant of Uncertain Significance. Advanced modeling of protein sequence and biophysical properties (such as structural, functional, and spatial information, amino acid conservation, physicochemical variation, residue mobility, and thermodynamic stability) performed at Invitae indicates that this missense variant is not expected to disrupt GLI3 protein function. This variant has not been reported in the literature in individuals affected with GLI3-related conditions. This variant is present in population databases (rs762728014, gnomAD 0.002%). This sequence change replaces glycine, which is neutral and non-polar, with tryptophan, which is neutral and slightly polar, at codon 1321 of the GLI3 protein (p.Gly1321Trp).

NM_000168.6(GLI3):c.3961G>T (p.Gly1321Trp)

Gene: GLI3 (GLI family zinc finger 3; minus strand). Cytogenetic location: 7p14.1.
Variant type: single nucleotide variant.
Coding change: c.3961G>T on transcript NM_000168.6 (MANE Select); coding-DNA position 3961, G replaced by T.
Protein change: p.Gly1321Trp; replaces glycine 1321 with tryptophan.
Molecular consequence: missense variant.
Genome position (GRCh38, 1-based): chr7:41,965,112, C>A on the plus strand (G>T on the coding strand, the complement: GLI3 is on the minus strand). VCF-style: chr7-41965112-C-A. GRCh37 (hg19) VCF-style: chr7-42004710-C-A.
Other names: short protein forms G1321W.
Identifiers: ClinVar variation 2929953 (VCV002929953.3), dbSNP rs762728014, ClinGen allele CA4230219.